The following is an entry in ClinVar:

ClinVar aggregate classification (germline): Pathogenic (1 of 4 stars; one submission).

Conditions:
Cornelia de Lange syndrome 1 (CDLS1). Also called: Brachmann de Lange syndrome; NIPBL-Related Cornelia de Lange Syndrome; TYPUS DEGENERATIVUS AMSTELODAMENSIS. Identifiers: Orphanet 199, MedGen C4551851, MONDO:0007387, OMIM 122470.

Submission:

Labcorp Genetics (formerly Invitae), Labcorp
Classification: Pathogenic for Cornelia de Lange syndrome 1. Last evaluated: 2019-10-11. Review status: criteria provided, single submitter. Criteria: Invitae Variant Classification Sherloc (09022015). Collection method: clinical testing. Allele origin: germline.
Comment: This sequence change creates a premature translational stop signal (p.Pro805Aspfs*11) in the NIPBL gene. It is expected to result in an absent or disrupted protein product. This variant is not present in population databases (ExAC no frequency). This variant has not been reported in the literature in individuals with NIPBL-related conditions. Loss-of-function variants in NIPBL are known to be pathogenic (PMID: 15318302, 19763162, 23505322, 29995837). For these reasons, this variant has been classified as Pathogenic.

NM_133433.4(NIPBL):c.2411_2412dup (p.Pro805fs)

Gene: NIPBL (NIPBL cohesin loading factor; plus strand). Cytogenetic location: 5p13.2.
Variant type: Microsatellite.
Coding change: c.2411_2412dup on transcript NM_133433.4 (MANE Select); coding-DNA positions 2411 to 2412, 2 bases duplicated (GA; older notation c.2411_2412dupGA).
Protein change: p.Pro805fs; shifts the reading frame from proline 805.
Molecular consequence: frameshift variant.
Genome position (GRCh38, 1-based): chr5:36,985,591-36,985,592, GA duplicated; duplicating any 2 consecutive bases within chr5:36,985,588-36,985,592 gives the same sequence; the c. name uses the placement nearest the transcript's 3' end. VCF-style (leftmost placement, unchanged base first): chr5-36985587-C-CAG. GRCh37 (hg19) VCF-style: chr5-36985689-C-CAG.
Other names: c.2411_2412dup, p.Pro805fs (NM_015384.5); short protein forms P805fs.
Identifiers: ClinVar variation 958853 (VCV000958853.1), dbSNP rs1744682329, ClinGen allele CA1539582134.